The following is an entry in ClinVar:

ClinVar aggregate classification (germline): Pathogenic/Likely pathogenic. Review status: criteria provided, multiple submitters, no conflicts (2 of 4 stars). 4 submissions from 4 submitters: Pathogenic (3); Likely pathogenic (1). Last evaluated 2025-02-28.

Conditions:
Cardiovascular phenotype. Identifiers: MedGen CN230736.
Hereditary cancer-predisposing syndrome. Also called: Hereditary Cancer Syndrome; Hereditary neoplastic syndrome; Neoplastic Syndromes, Hereditary; Tumor predisposition. Identifiers: Orphanet 140162, MedGen C0027672, MeSH D009386, MONDO:0015356.
LZTR1-related schwannomatosis. Also called: Schwannomatosis-2, susceptibility to; Schwannomatosis 2. Identifiers: Orphanet 93921, MedGen C3810283, MONDO:0014299, OMIM 615670.
Schwannomatosis. Identifiers: Orphanet 93921, MedGen C1335929, MeSH C536641, MONDO:0008075.

Submissions (4):

Ambry Genetics
Classification: Pathogenic for Cardiovascular phenotype; Hereditary cancer-predisposing syndrome. Last evaluated: 2025-02-28. Review status: criteria provided, single submitter. Criteria: Ambry Variant Classification Scheme 2023. Collection method: clinical testing. Allele origin: germline.
Comment: The c.1753_1754delAG pathogenic mutation, located in coding exon 15 of the LZTR1 gene, results from a deletion of two nucleotides at nucleotide positions 1753 to 1754, causing a translational frameshift with a predicted alternate stop codon (p.S585Cfs*83). This alteration is expected to result in loss of function by premature protein truncation or nonsense-mediated mRNA decay. Loss-of-function variants in LZTR1 are related to an increased risk for schwannomas and autosomal recessive Noonan syndrome; however, such associations with autosomal dominant Noonan syndrome have not been observed (Piotrowski A et al. Nat Genet. 2014 Feb;46:182-7; Yamamoto GL et al. J Med Genet. 2015 Jun;52:413-21; Johnston JJ et al. Genet Med. 2018 10;20:1175-1185). Based on the supporting evidence, this variant is pathogenic for an increased risk of LZTR1-related schwannomatosis (SWN) and would be expected to cause autosomal recessive Noonan syndrome when present along with a second pathogenic or likely pathogenic variant on the other allele; however, the association of this alteration with autosomal dominant Noonan syndrome is unlikely.

Women's Health and Genetics/Laboratory Corporation of America, LabCorp
Classification: Pathogenic for Schwannomatosis. Last evaluated: 2024-08-26. Review status: criteria provided, single submitter. Criteria: LabCorp Variant Classification Summary - May 2015. Collection method: clinical testing. Allele origin: germline.
Comment: Variant summary: LZTR1 c.1753_1754delAG (p.Ser585CysfsX83) results in a premature termination codon, predicted to cause a truncation of the encoded protein or absence of the protein due to nonsense mediated decay, which are commonly known mechanisms for disease. The variant was absent in 249766 control chromosomes. To our knowledge, no occurrence of c.1753_1754delAG in individuals affected with LZTR1-related conditions and no experimental evidence demonstrating its impact on protein function have been reported. ClinVar contains an entry for this variant (Variation ID: 2506334). Germline loss of function mutations in LZTR1 have been reported to predispose to an inherited disorder of multiple schwannomas (Piotrowski_2014) and recessive Noonan syndrome (Johnston_2018). Based on the evidence outlined above, the variant was classified as pathogenic for the risk of multiple schwannomas and recessive Noonan syndrome.

Labcorp Genetics (formerly Invitae), Labcorp
Classification: Pathogenic. Last evaluated: 2024-07-13. Review status: criteria provided, single submitter. Criteria: Invitae Variant Classification Sherloc (09022015). Collection method: clinical testing. Allele origin: germline.
Comment: This sequence change creates a premature translational stop signal (p.Ser585Cysfs*83) in the LZTR1 gene. It is expected to result in an absent or disrupted protein product. Loss-of-function variants in LZTR1 are known to be pathogenic (PMID: 24362817, 25335493, 25480913, 25795793, 29469822, 30368668, 30442762, 30442766, 30481304, 30859559). This variant is not present in population databases (gnomAD no frequency). This variant has not been reported in the literature in individuals affected with LZTR1-related conditions. ClinVar contains an entry for this variant (Variation ID: 2506334). For these reasons, this variant has been classified as Pathogenic.

Baylor Genetics
Classification: Likely pathogenic for LZTR1-related schwannomatosis. Last evaluated: 2024-02-07. Review status: criteria provided, single submitter. Criteria: ACMG Guidelines, 2015. Collection method: clinical testing. Allele origin: unknown.

Literature cited by the submitters: PubMed 24362817 (cited by Labcorp Genetics (formerly Invitae), Labcorp); PubMed 25335493 (cited by Labcorp Genetics (formerly Invitae), Labcorp); PubMed 25480913 (cited by Labcorp Genetics (formerly Invitae), Labcorp); PubMed 25795793 (cited by Labcorp Genetics (formerly Invitae), Labcorp); PubMed 29469822 (cited by Labcorp Genetics (formerly Invitae), Labcorp); PubMed 30368668 (cited by Labcorp Genetics (formerly Invitae), Labcorp); PubMed 30442762 (cited by Labcorp Genetics (formerly Invitae), Labcorp); PubMed 30442766 (cited by Labcorp Genetics (formerly Invitae), Labcorp); PubMed 30481304 (cited by Labcorp Genetics (formerly Invitae), Labcorp); PubMed 30859559 (cited by Labcorp Genetics (formerly Invitae), Labcorp).

NM_006767.4(LZTR1):c.1753_1754del (p.Ser585fs)

Gene: LZTR1 (leucine zipper like post translational regulator 1; plus strand). Cytogenetic location: 22q11.21.
Variant type: Microsatellite.
Coding change: c.1753_1754del on transcript NM_006767.4 (MANE Select); coding-DNA positions 1753 to 1754, 2 bases deleted (AG; older notation c.1753_1754delAG).
Protein change: p.Ser585fs; shifts the reading frame from serine 585.
Molecular consequence: frameshift variant.
Genome position (GRCh38, 1-based): chr22:20,994,695-20,994,696, AG deleted; deleting any 2 consecutive bases within chr22:20,994,692-20,994,696 gives the same sequence; the c. name uses the placement nearest the transcript's 3' end. VCF-style (leftmost placement, unchanged base first): chr22-20994691-CGA-C. GRCh37 (hg19) VCF-style: chr22-21348980-CGA-C.
Other names: c.1753_1754delAG (NM_006767.4); short protein forms S585fs.
Identifiers: ClinVar variation 2506334 (VCV002506334.6), dbSNP rs2518621982, ClinGen allele CA2577656248.